The following is an entry in ClinVar:

NM_198053.3(CD247):c.206A>C (p.Asn69Thr)

Gene: CD247 (CD247 molecule; minus strand). Cytogenetic location: 1q24.2.
Variant type: single nucleotide variant.
Coding change: c.206A>C on transcript NM_198053.3 (MANE Select); coding-DNA position 206, A replaced by C.
Protein change: p.Asn69Thr; replaces asparagine 69 with threonine.
Molecular consequence: missense variant.
Genome position (GRCh38, 1-based): chr1:167,439,357, T>G on the plus strand (A>C on the coding strand, the complement: CD247 is on the minus strand). VCF-style: chr1-167439357-T-G. GRCh37 (hg19) VCF-style: chr1-167408594-T-G.
Other names: c.206A>C, p.Asn69Thr (NM_000734.4); c.299A>C, p.Asn100Thr (NM_001378515.1, NM_001378516.1); short protein forms N69T, N100T.
Identifiers: ClinVar variation 2070856 (VCV002070856.1), dbSNP rs768607376, ClinGen allele CA1226067.

ClinVar aggregate classification (germline): Uncertain significance (1 of 4 stars; one submission).

Conditions:
Immunodeficiency 25. Also called: Immunodeficiency due to defect in cd3-zeta, somatic. Identifiers: MedGen C1857798, MONDO:0012426, OMIM 610163.

Allele frequency attached by ClinVar (database versions not stated): TOPMed below 0.00001; ExAC 0.00001; gnomAD 0.00001.
gnomAD v4.1: 24 of 1,614,000 alleles (0.0015%); highest among the groups gnomAD compares: Non-Finnish European, 0.0019%; no homozygotes.

Submission:

Labcorp Genetics (formerly Invitae), Labcorp
Classification: Uncertain significance for Immunodeficiency 25. Last evaluated: 2022-04-13. Review status: criteria provided, single submitter. Criteria: Invitae Variant Classification Sherloc (09022015). Collection method: clinical testing. Allele origin: germline.
Comment: This sequence change replaces asparagine, which is neutral and polar, with threonine, which is neutral and polar, at codon 69 of the CD247 protein (p.Asn69Thr). This variant is present in population databases (rs768607376, gnomAD 0.003%). This variant has not been reported in the literature in individuals affected with CD247-related conditions. Algorithms developed to predict the effect of missense changes on protein structure and function output the following: SIFT: "Tolerated"; PolyPhen-2: "Benign"; Align-GVGD: "Class C0". The threonine amino acid residue is found in multiple mammalian species, which suggests that this missense change does not adversely affect protein function. In summary, the available evidence is currently insufficient to determine the role of this variant in disease. Therefore, it has been classified as a Variant of Uncertain Significance.